The following is an entry in ClinVar:

NM_000276.4(OCRL):c.2593A>G (p.Thr865Ala)

Gene: OCRL (OCRL inositol polyphosphate-5-phosphatase; plus strand). Cytogenetic location: Xq26.1.
Variant type: single nucleotide variant.
Coding change: c.2593A>G on transcript NM_000276.4 (MANE Select); coding-DNA position 2593, A replaced by G.
Protein change: p.Thr865Ala; replaces threonine 865 with alanine.
Molecular consequence: missense variant.
Genome position (GRCh38, 1-based): chrX:129,590,157, A>G. VCF-style: chrX-129590157-A-G. GRCh37 (hg19) VCF-style: chrX-128724134-A-G.
Other names: c.2593A>G (NM_000276.3); c.2596A>G, p.Thr866Ala (NM_001318784.2); c.2569A>G, p.Thr857Ala (NM_001587.4); short protein forms T857A, T865A, T866A.
Identifiers: ClinVar variation 1977232 (VCV001977232.6), dbSNP rs1036522520, ClinGen allele CA335708332.

ClinVar aggregate classification (germline): Uncertain significance. Review status: criteria provided, multiple submitters, no conflicts (2 of 4 stars). 2 submissions from 2 submitters: Uncertain significance (2). Last evaluated 2025-04-13.

Conditions:
Lowe syndrome (OCRL). Also called: Oculocerebrorenal Syndrome; LOWE OCULOCEREBRORENAL SYNDROME; PHOSPHATIDYLINOSITOL 4,5-BISPHOSPHATE 5-PHOSPHATASE DEFICIENCY. Identifiers: Orphanet 534, MedGen C0028860, MONDO:0010645, OMIM 309000.
Nephrolithiasis/nephrocalcinosis. Identifiers: MedGen CN580796.

Allele frequency attached by ClinVar (database versions not stated): TOPMed 0.00001.

Submissions (2):

Ambry Genetics
Classification: Uncertain significance for Nephrolithiasis/nephrocalcinosis. Last evaluated: 2025-04-13. Review status: criteria provided, single submitter. Criteria: Ambry Variant Classification Scheme 2023. Collection method: clinical testing. Allele origin: germline.

Labcorp Genetics (formerly Invitae), Labcorp
Classification: Uncertain significance for Lowe syndrome. Last evaluated: 2023-10-29. Review status: criteria provided, single submitter. Criteria: Invitae Variant Classification Sherloc (09022015). Collection method: clinical testing. Allele origin: germline.
Comment: This sequence change replaces threonine, which is neutral and polar, with alanine, which is neutral and non-polar, at codon 865 of the OCRL protein (p.Thr865Ala). This variant is not present in population databases (gnomAD no frequency). This variant has not been reported in the literature in individuals affected with OCRL-related conditions. ClinVar contains an entry for this variant (Variation ID: 1977232). Advanced modeling of protein sequence and biophysical properties (such as structural, functional, and spatial information, amino acid conservation, physicochemical variation, residue mobility, and thermodynamic stability) performed at Invitae indicates that this missense variant is not expected to disrupt OCRL protein function with a negative predictive value of 95%. In summary, the available evidence is currently insufficient to determine the role of this variant in disease. Therefore, it has been classified as a Variant of Uncertain Significance.